The following is an entry in ClinVar:

NM_001369.3(DNAH5):c.11476C>T (p.Leu3826Phe)

Gene: DNAH5 (dynein axonemal heavy chain 5; minus strand). Cytogenetic location: 5p15.2.
Variant type: single nucleotide variant.
Coding change: c.11476C>T on transcript NM_001369.3 (MANE Select); coding-DNA position 11476, C replaced by T.
Protein change: p.Leu3826Phe; replaces leucine 3826 with phenylalanine.
Molecular consequence: missense variant.
Genome position (GRCh38, 1-based): chr5:13,735,912, G>A on the plus strand (C>T on the coding strand, the complement: DNAH5 is on the minus strand). VCF-style: chr5-13735912-G-A. GRCh37 (hg19) VCF-style: chr5-13736021-G-A.
Other names: short protein forms L3826F.
Identifiers: ClinVar variation 579419 (VCV000579419.47), dbSNP rs146750552, ClinGen allele CA3201943.

ClinVar aggregate classification (germline): Conflicting classifications of pathogenicity. Review status: criteria provided, conflicting classifications (1 of 4 stars). 12 submissions from 12 submitters: Uncertain significance (8); Benign (1). 3 of the submissions do not count toward it. Last evaluated 2026-01-19.

Conditions:
Primary ciliary dyskinesia. Also called: Ciliary dyskinesia. Identifiers: Orphanet 244, MedGen C0008780, MONDO:0016575, HP:0012265.
Situs inversus. Also called: Situs inversus totalis. Identifiers: Orphanet 101063, MedGen C4551493, MONDO:0010029, HP:0001696.
Primary ciliary dyskinesia 3. Identifiers: Orphanet 244, MedGen C1837618, MONDO:0012085, OMIM 608644.

Allele frequency attached by ClinVar (database versions not stated): gnomAD exomes 0.00019 and 0.00035; ExAC 0.00026; gnomAD 0.00039; 1000 Genomes Project 0.00040; TOPMed 0.00053; ESP Exome Variant Server 0.00054; 1000 Genomes Project 30x 0.00062.
gnomAD v4.1: 360 of 1,614,090 alleles (0.022%); highest among the groups gnomAD compares: Middle Eastern, 0.31%; no homozygotes.

Submissions (12):

Labcorp Genetics (formerly Invitae), Labcorp
Classification: Benign for Primary ciliary dyskinesia. Last evaluated: 2026-01-19. Review status: criteria provided, single submitter. Criteria: Invitae Variant Classification Sherloc (09022015). Collection method: clinical testing. Allele origin: germline.

Clinical Genetics Laboratory, Skane University Hospital Lund
Classification: Uncertain significance for Situs inversus. Last evaluated: 2025-03-27. Review status: criteria provided, single submitter. Criteria: ACMG Guidelines, 2015. Collection method: clinical testing. Allele origin: germline. Affected: yes.
Comment: ACMG-criteria applied: PM2 (no homozygotes in gnomAD v4.1.0), PP3 (REVEL-score 0.669)

Blueprint Genetics
Classification: Uncertain significance. Last evaluated: 2024-09-16. Review status: criteria provided, single submitter. Criteria: ACMG Guidelines, 2015. Collection method: clinical testing. Allele origin: germline.

CeGaT Center for Human Genetics Tuebingen
Classification: Uncertain significance. Last evaluated: 2024-06-01. Review status: criteria provided, single submitter. Criteria: CeGaT Center For Human Genetics Tuebingen Variant Classification Criteria Version 2. Collection method: clinical testing. Allele origin: germline. Affected: yes. Observed: 2 variant alleles.
Comment: DNAH5: PP3

GeneDx
Classification: Uncertain significance. Last evaluated: 2022-04-20. Review status: criteria provided, single submitter. Criteria: GeneDx Variant Classification Process June 2021. Collection method: clinical testing. Allele origin: germline. Affected: yes.
Comment: Reported without a second variant in a patient with VACTERL in published literature (Ritter et al., 2022); In silico analysis supports that this missense variant has a deleterious effect on protein structure/function; This variant is associated with the following publications: (PMID: 34823266)

Genome-Nilou Lab
Classification: Uncertain significance for Primary ciliary dyskinesia 3. Last evaluated: 2021-05-18. Review status: criteria provided, single submitter. Criteria: ACMG Guidelines, 2015. Collection method: clinical testing. Allele origin: germline. Affected: no.

Ambry Genetics
Classification: Uncertain significance for Primary ciliary dyskinesia. Last evaluated: 2021-02-18. Review status: criteria provided, single submitter. Criteria: Ambry Variant Classification Scheme 2023. Collection method: clinical testing. Allele origin: germline.
Comment: The p.L3826F variant (also known as c.11476C>T), located in coding exon 67 of the DNAH5 gene, results from a C to T substitution at nucleotide position 11476. The leucine at codon 3826 is replaced by phenylalanine, an amino acid with highly similar properties. This alteration was identified in a cohort of individuals undergoing whole exome sequencing for diverse clinical indications (Li AH et al. Genome Med, 2017 10;9:95). This amino acid position is highly conserved in available vertebrate species. In addition, this alteration is predicted to be deleterious by in silico analysis. Since supporting evidence is limited at this time, the clinical significance of this alteration remains unclear.

Illumina Laboratory Services, Illumina
Classification: Uncertain significance for Primary ciliary dyskinesia 3. Last evaluated: 2018-01-13. Review status: criteria provided, single submitter. Criteria: ICSL Variant Classification Criteria 13 December 2019. Collection method: clinical testing. Allele origin: germline.

Breakthrough Genomics
Classification: Uncertain significance. Review status: criteria provided, single submitter. Criteria: ACMG Guidelines, 2015. Collection method: not provided. Allele origin: germline. Inheritance: Autosomal recessive inheritance. Affected: yes.

Natera, Inc.
Classification: Uncertain significance for Primary ciliary dyskinesia. Last evaluated: 2019-10-28. Review status: no assertion criteria provided. Collection method: clinical testing. Allele origin: germline. Not counted in ClinVar's aggregate classification.

Clinical Genetics DNA and cytogenetics Diagnostics Lab, Erasmus MC, Erasmus Medical Center
Classification: Uncertain significance. Review status: no assertion criteria provided. Collection method: clinical testing. Allele origin: germline. Affected: yes. Study: VKGL Data-share Consensus. Not counted in ClinVar's aggregate classification.

Laboratory of Diagnostic Genome Analysis, Leiden University Medical Center (LUMC)
Classification: Uncertain significance. Review status: no assertion criteria provided. Collection method: clinical testing. Allele origin: germline. Affected: yes. Study: VKGL Data-share Consensus. Not counted in ClinVar's aggregate classification.

Literature cited by the submitters: PubMed 29089047 (cited by Ambry Genetics).